The following is an entry in ClinVar:

NM_201384.3(PLEC):c.12746C>T (p.Ser4249Leu)

Gene: PLEC (plectin; minus strand). Cytogenetic location: 8q24.3.
Variant type: single nucleotide variant.
Coding change: c.12746C>T on transcript NM_201384.3 (MANE Select); coding-DNA position 12746, C replaced by T.
Protein change: p.Ser4249Leu; replaces serine 4249 with leucine.
Molecular consequence: missense variant.
Genome position (GRCh38, 1-based): chr8:143,917,075, G>A on the plus strand (C>T on the coding strand, the complement: PLEC is on the minus strand). VCF-style: chr8-143917075-G-A. GRCh37 (hg19) VCF-style: chr8-144991243-G-A.
Other names: c.12827C>T, p.Ser4276Leu (NM_000445.5); c.12704C>T, p.Ser4235Leu (NM_201378.4); c.12680C>T, p.Ser4227Leu (NM_201379.3); c.13157C>T, p.Ser4386Leu (NM_201380.4); c.12650C>T, p.Ser4217Leu (NM_201381.3); c.12746C>T, p.Ser4249Leu (NM_201382.4); c.12758C>T, p.Ser4253Leu (NM_201383.3); c.12827C>T (NM_000445.4); short protein forms S4227L, S4235L, S4276L, S4217L, S4253L, S4249L, S4386L.
Identifiers: ClinVar variation 287174 (VCV000287174.10), dbSNP rs782038750, ClinGen allele CA4923990.

ClinVar aggregate classification (germline): Uncertain significance. Review status: criteria provided, multiple submitters, no conflicts (2 of 4 stars). 3 submissions from 3 submitters: Uncertain significance (3). Last evaluated 2026-04-14.

Conditions:
PLEC-related disorder. Also called: PLEC-related condition; PLEC-related disorders.
Epidermolysis bullosa simplex 5C, with pyloric atresia (EBS5C). Also called: PLEC-Related Epidermolysis Bullosa with Pyloric Atresia; Epidermolysis bullosa simplex with pyloric atresia; PLEC1-Related Epidermolysis Bullosa with Pyloric Atresia. Identifiers: Orphanet 158684, MedGen C2677349, MONDO:0012807, OMIM 612138.
Epidermolysis bullosa simplex with nail dystrophy (EBS5D). Identifiers: MedGen C4225309, MONDO:0014661, OMIM 616487.
Autosomal recessive limb-girdle muscular dystrophy type 2Q (LGMDR17). Also called: MUSCULAR DYSTROPHY, LIMB-GIRDLE, AUTOSOMAL RECESSIVE 17. Identifiers: Orphanet 254361, MedGen C3150989, MONDO:0013390, OMIM 613723.
Epidermolysis bullosa simplex, Ogna type (EBS5A). Also called: Pidermolysis bullosa simplex 5A, Ogna type; EPIDERMOLYSIS BULLOSA SIMPLEX 5A, OGNA TYPE. Identifiers: Orphanet 79401, MedGen C0432317, MONDO:0007555, OMIM 131950.
Epidermolysis bullosa simplex 5B, with muscular dystrophy (EBS5B). Also called: EPIDERMOLYSIS BULLOSA SIMPLEX AND LIMB-GIRDLE MUSCULAR DYSTROPHY; Epidermolysis bullosa simplex with muscular dystrophy. Identifiers: Orphanet 257, MedGen C2931072, MONDO:0009181, OMIM 226670.

Allele frequency attached by ClinVar (database versions not stated): ExAC 0.00001; gnomAD 0.00001; gnomAD exomes 0.00001 and 0.00003; TOPMed 0.00002.
gnomAD v4.1: 17 of 1,607,336 alleles (0.0011%); highest among the groups gnomAD compares: East Asian, 0.0045%; no homozygotes.

Submissions (3):

PreventionGenetics, part of Exact Sciences
Classification: Uncertain significance for PLEC-related condition. Last evaluated: 2026-04-14. Review status: criteria provided, single submitter. Criteria: ACMG Guidelines, 2015. Collection method: clinical testing. Allele origin: germline.
Comment: The PLEC c.12827C>T variant is predicted to result in the amino acid substitution p.Ser4276Leu. This variant was reported along with a second potentially causative PLEC variant in an individual with muscular dystrophy and myopathy (Dai et al. 2015. PubMed ID: 25987458). This variant is reported in 0.013% of alleles in individuals of South Asian descent in gnomAD. At this time, the clinical significance of this variant is uncertain due to the absence of conclusive functional and genetic evidence.

Labcorp Genetics (formerly Invitae), Labcorp
Classification: Uncertain significance for Autosomal recessive limb-girdle muscular dystrophy type 2Q; Epidermolysis bullosa simplex, Ogna type; Epidermolysis bullosa simplex with nail dystrophy; Epidermolysis bullosa simplex 5C, with pyloric atresia; Epidermolysis bullosa simplex 5B, with muscular dystrophy. Last evaluated: 2022-03-11. Review status: criteria provided, single submitter. Criteria: Invitae Variant Classification Sherloc (09022015). Collection method: clinical testing. Allele origin: germline.
Comment: This sequence change replaces serine, which is neutral and polar, with leucine, which is neutral and non-polar, at codon 4276 of the PLEC protein (p.Ser4276Leu). This variant is present in population databases (rs782038750, gnomAD 0.01%). In summary, the available evidence is currently insufficient to determine the role of this variant in disease. Therefore, it has been classified as a Variant of Uncertain Significance. Algorithms developed to predict the effect of missense changes on protein structure and function (SIFT, PolyPhen-2, Align-GVGD) all suggest that this variant is likely to be disruptive. ClinVar contains an entry for this variant (Variation ID: 287174). This missense change has been observed in individual(s) with clinical features of PLEC-related conditions (PMID: 25987458).

Eurofins Ntd Llc (ga)
Classification: Uncertain significance. Last evaluated: 2016-04-26. Review status: criteria provided, single submitter. Criteria: EGL Classification Definitions 2015. Collection method: clinical testing. Allele origin: germline. Observed: 1 variant allele, 1 heterozygote.

Literature cited by the submitters: PubMed 25987458 (cited by Labcorp Genetics (formerly Invitae), Labcorp).